The following is an entry in ClinVar:

ClinVar aggregate classification (germline): Uncertain significance. Review status: criteria provided, multiple submitters, no conflicts (2 of 4 stars). 4 submissions from 4 submitters: Uncertain significance (4). Last evaluated 2026-05-01.

Conditions:
Inborn genetic diseases. Identifiers: MedGen C0950123, MeSH D030342.
Early-infantile DEE. Also called: Early infantile epileptic encephalopathy; Ohtahara syndrome; Early infantile epileptic encephalopathy with suppression bursts. Identifiers: Orphanet 1934, MedGen C0393706, MONDO:0800491.

Allele frequency attached by ClinVar (database versions not stated): TOPMed 0.00002.
gnomAD v4.1: 23 of 1,614,102 alleles (0.0014%); highest among the groups gnomAD compares: East Asian, 0.0022%; no homozygotes.

Submissions (4):

CeGaT Center for Human Genetics Tuebingen
Classification: Uncertain significance. Last evaluated: 2026-05-01. Review status: criteria provided, single submitter. Criteria: CeGaT Center For Human Genetics Tuebingen Variant Classification Criteria Version 2. Collection method: clinical testing. Allele origin: germline. Affected: yes. Observed: 1 variant allele.

Labcorp Genetics (formerly Invitae), Labcorp
Classification: Uncertain significance for Early-infantile DEE. Last evaluated: 2025-10-29. Review status: criteria provided, single submitter. Criteria: Invitae Variant Classification Sherloc (09022015). Collection method: clinical testing. Allele origin: germline.
Comment: This sequence change replaces arginine, which is basic and polar, with cysteine, which is neutral and slightly polar, at codon 1083 of the SPTAN1 protein (p.Arg1083Cys). This variant is present in population databases (no rsID available, gnomAD 0.0009%). This variant has not been reported in the literature in individuals affected with SPTAN1-related conditions. ClinVar contains an entry for this variant (Variation ID: 944998). Invitae Evidence Modeling of protein sequence and biophysical properties (such as structural, functional, and spatial information, amino acid conservation, physicochemical variation, residue mobility, and thermodynamic stability) has been performed for this missense variant. However, the output from this modeling did not meet the statistical confidence thresholds required to predict the impact of this variant on SPTAN1 protein function. In summary, the available evidence is currently insufficient to determine the role of this variant in disease. Therefore, it has been classified as a Variant of Uncertain Significance.

Ambry Genetics
Classification: Uncertain significance for Inborn genetic diseases. Last evaluated: 2023-09-27. Review status: criteria provided, single submitter. Criteria: Ambry Variant Classification Scheme 2023. Collection method: clinical testing. Allele origin: germline.

Mayo Clinic Laboratories, Mayo Clinic
Classification: Uncertain significance. Last evaluated: 2023-03-03. Review status: criteria provided, single submitter. Criteria: ACMG Guidelines, 2015. Collection method: clinical testing. Allele origin: germline. Observed: 1 variant allele.

NM_001130438.3(SPTAN1):c.3247C>T (p.Arg1083Cys)

Gene: SPTAN1 (spectrin alpha, non-erythrocytic 1; plus strand). Cytogenetic location: 9q34.11.
Variant type: single nucleotide variant.
Coding change: c.3247C>T on transcript NM_001130438.3 (MANE Select); coding-DNA position 3247, C replaced by T.
Protein change: p.Arg1083Cys; replaces arginine 1083 with cysteine.
Molecular consequence: missense variant.
Genome position (GRCh38, 1-based): chr9:128,594,206, C>T. VCF-style: chr9-128594206-C-T. GRCh37 (hg19) VCF-style: chr9-131356485-C-T.
Other names: p.Arg1083Cys; c.3187C>T, p.Arg1063Cys (NM_001195532.2, NM_001363765.2, NM_001375314.2); c.3247C>T, p.Arg1083Cys (NM_001363759.2, NM_001375310.1, NM_001375311.2 and 2 more transcripts); c.3283C>T, p.Arg1095Cys (NM_001375312.2, NM_001375318.1); short protein forms R1063C, R1083C, R1095C.
Identifiers: ClinVar variation 944998 (VCV000944998.14), dbSNP rs750290385, ClinGen allele CA200389975.
Genomic context (GRCh38, chr9:128,594,206, plus strand): 5'-CCTCTTGTCACCCTCTTGAATTCCATCAGATATCATTCTCTGCTGGAACTGGGTGAGAAG[C>T]GTAAAGGCATGTTGGAGAAGAGTTGCAAGAAGTTTATGTTGTTCCGTGAAGCGAATGAAC-3'
Protein context (NP_001123910.1, residues 1073-1093): YHSLLELGEK[Arg1083Cys]KGMLEKSCKK